The following is an entry in ClinVar:

ClinVar aggregate classification (germline): Conflicting classifications of pathogenicity. Review status: criteria provided, conflicting classifications (1 of 4 stars). 3 submissions from 3 submitters: Uncertain significance (2); Likely benign (1). Last evaluated 2023-11-16.

Conditions:
Hereditary pancreatitis (PCTT). Also called: PRSS1-Related Hereditary Pancreatitis; Hereditary chronic pancreatitis. Identifiers: Orphanet 676, MedGen C0238339, MONDO:0008185, OMIM 167800.

Allele frequency attached by ClinVar (database versions not stated): ExAC 0.00002; gnomAD exomes 0.00002 and 0.00005; gnomAD 0.00004; TOPMed 0.00004.

Submissions (3):

Ambry Genetics
Classification: Uncertain significance for Hereditary pancreatitis. Last evaluated: 2023-11-16. Review status: criteria provided, single submitter. Criteria: Ambry Variant Classification Scheme 2023. Collection method: clinical testing. Allele origin: germline.
Comment: The c.493+3G>A intronic variant results from a G to A substitution 3 nucleotides after coding exon 5 in the CTRC gene. This nucleotide position is not well conserved in available vertebrate species. In silico splice site analysis predicts that this alteration will not have any significant effect on splicing. Since supporting evidence is limited at this time, the clinical significance of this alteration remains unclear.

Labcorp Genetics (formerly Invitae), Labcorp
Classification: Uncertain significance for Hereditary pancreatitis. Last evaluated: 2022-08-19. Review status: criteria provided, single submitter. Criteria: Invitae Variant Classification Sherloc (09022015). Collection method: clinical testing. Allele origin: germline.
Comment: This sequence change falls in intron 5 of the CTRC gene. It does not directly change the encoded amino acid sequence of the CTRC protein. It affects a nucleotide within the consensus splice site. This variant has not been reported in the literature in individuals affected with CTRC-related conditions. ClinVar contains an entry for this variant (Variation ID: 579115). This variant is present in population databases (rs772436044, gnomAD 0.004%). Variants that disrupt the consensus splice site are a relatively common cause of aberrant splicing (PMID: 17576681, 9536098). Algorithms developed to predict the effect of sequence changes on RNA splicing suggest that this variant is not likely to affect RNA splicing. In summary, the available evidence is currently insufficient to determine the role of this variant in disease. Therefore, it has been classified as a Variant of Uncertain Significance.

ARUP Laboratories, Molecular Genetics and Genomics, ARUP Laboratories
Classification: Likely benign for Hereditary pancreatitis. Last evaluated: 2018-12-28. Review status: criteria provided, single submitter. Criteria: ARUP Molecular Germline Variant Investigation Process. Collection method: clinical testing. Allele origin: germline.

Literature cited by the submitters: PubMed 17576681 (cited by Labcorp Genetics (formerly Invitae), Labcorp); PubMed 9536098 (cited by Labcorp Genetics (formerly Invitae), Labcorp).

NM_007272.3(CTRC):c.493+3G>A

Gene: CTRC (chymotrypsin C; plus strand). Cytogenetic location: 1p36.21.
Variant type: single nucleotide variant.
Coding change: c.493+3G>A on transcript NM_007272.3 (MANE Select); 3 bases into the intron after coding-DNA position 493, G replaced by A.
Molecular consequence: intron variant.
Genome position (GRCh38, 1-based): chr1:15,443,558, G>A. VCF-style: chr1-15443558-G-A. GRCh37 (hg19) VCF-style: chr1-15770053-G-A.
Identifiers: ClinVar variation 579115 (VCV000579115.16), dbSNP rs772436044, ClinGen allele CA613346.
Genomic context (GRCh38, chr1:15,443,558, plus strand): 5'-GACTCCCTGCTCCCCAAGGACTACCCCTGCTATGTCACCGGCTGGGGCCGCCTCTGGAGT[G>A]AGTATCGTCCCTGGCAAATCCTGAGAGCCTTCCTGAAGGAAGCAGGACGTCACCCACATT-3'